The following is an entry in ClinVar:

ClinVar aggregate classification (germline): Uncertain significance (1 of 4 stars; one submission).

Conditions:
Familial cancer of breast. Also called: hereditary breast carcinoma; BREAST CANCER, FAMILIAL; Hereditary breast cancer. Identifiers: Orphanet 227535, MedGen C0346153, MONDO:0016419, OMIM 114480. Disease mechanism: loss of function.

Submission:

Labcorp Genetics (formerly Invitae), Labcorp
Classification: Uncertain significance for Familial cancer of breast. Last evaluated: 2022-08-21. Review status: criteria provided, single submitter. Criteria: Invitae Variant Classification Sherloc (09022015). Collection method: clinical testing. Allele origin: germline.
Comment: In summary, the available evidence is currently insufficient to determine the role of this variant in disease. Therefore, it has been classified as a Variant of Uncertain Significance. Algorithms developed to predict the effect of missense changes on protein structure and function (SIFT, PolyPhen-2, Align-GVGD) all suggest that this variant is likely to be disruptive. This variant has not been reported in the literature in individuals affected with CHEK2-related conditions. This variant is not present in population databases (gnomAD no frequency). This sequence change replaces threonine, which is neutral and polar, with alanine, which is neutral and non-polar, at codon 59 of the CHEK2 protein (p.Thr59Ala).

NM_007194.4(CHEK2):c.175A>G (p.Thr59Ala)

Gene: CHEK2 (checkpoint kinase 2; minus strand). Cytogenetic location: 22q12.1.
Variant type: single nucleotide variant.
Coding change: c.175A>G on transcript NM_007194.4 (MANE Select); coding-DNA position 175, A replaced by G.
Protein change: p.Thr59Ala; replaces threonine 59 with alanine.
Molecular consequence: missense variant.
Genome position (GRCh38, 1-based): chr22:28,734,547, T>C on the plus strand (A>G on the coding strand, the complement: CHEK2 is on the minus strand). VCF-style: chr22-28734547-T-C. GRCh37 (hg19) VCF-style: chr22-29130535-T-C.
Other names: c.175A>G, p.Thr59Ala (NM_001005735.3, NM_001349956.3, NM_145862.3); c.-603A>G (NM_001257387.3); short protein forms T59A.
Identifiers: ClinVar variation 2025469 (VCV002025469.4), dbSNP rs2518131187, ClinGen allele CA411090895.